The following is an entry in ClinVar:

NM_001177701.3(IFT27):c.7A>C (p.Lys3Gln)

Genes: IFT27 (intraflagellar transport 27; minus strand), LOC130067336 (ATAC-STARR-seq lymphoblastoid silent region 13671; plus strand). Cytogenetic location: 22q12.3.
Variant type: single nucleotide variant.
Coding change: c.7A>C on transcript NM_001177701.3 (MANE Select); coding-DNA position 7, A replaced by C.
Protein change: p.Lys3Gln; replaces lysine 3 with glutamine.
Molecular consequence: missense variant. On other transcripts: non-coding transcript variant (1).
Genome position (GRCh38, 1-based): chr22:36,775,701, T>G on the plus strand (A>C on the coding strand, the complement: IFT27 is on the minus strand). VCF-style: chr22-36775701-T-G. GRCh37 (hg19) VCF-style: chr22-37171745-T-G.
Other names: c.7A>C, p.Lys3Gln (NM_001363003.2, NM_006860.5); c.7A>C (NM_001177701.1); short protein forms K3Q.
Identifiers: ClinVar variation 943441 (VCV000943441.8), dbSNP rs1235384463, ClinGen allele CA411390121.

ClinVar aggregate classification (germline): Uncertain significance. Review status: criteria provided, multiple submitters, no conflicts (2 of 4 stars). 2 submissions from 2 submitters: Uncertain significance (2). Last evaluated 2022-11-08.

Conditions:
Inborn genetic diseases. Identifiers: MedGen C0950123, MeSH D030342.

Allele frequency attached by ClinVar (database versions not stated): gnomAD exomes below 0.00001; gnomAD 0.00001; TOPMed 0.00001.
gnomAD v4.1: 8 of 1,613,972 alleles (0.0005%); highest among the groups gnomAD compares: Non-Finnish European, 0.00068%; no homozygotes.

Submissions (2):

Ambry Genetics
Classification: Uncertain significance for Inborn genetic diseases. Last evaluated: 2022-11-08. Review status: criteria provided, single submitter. Criteria: Ambry Variant Classification Scheme 2023. Collection method: clinical testing. Allele origin: germline.

Labcorp Genetics (formerly Invitae), Labcorp
Classification: Uncertain significance. Last evaluated: 2021-08-28. Review status: criteria provided, single submitter. Criteria: Invitae Variant Classification Sherloc (09022015). Collection method: clinical testing. Allele origin: germline.
Comment: This sequence change replaces lysine with glutamine at codon 3 of the IFT27 protein (p.Lys3Gln). The lysine residue is highly conserved and there is a small physicochemical difference between lysine and glutamine. This variant is not present in population databases (ExAC no frequency). This variant has not been reported in the literature in individuals affected with IFT27-related conditions. Algorithms developed to predict the effect of missense changes on protein structure and function are either unavailable or do not agree on the potential impact of this missense change (SIFT: "Deleterious"; PolyPhen-2: "Benign"; Align-GVGD: "Class C0"). In summary, the available evidence is currently insufficient to determine the role of this variant in disease. Therefore, it has been classified as a Variant of Uncertain Significance.